The following is an entry in ClinVar:

NM_001401501.2(MUC16):c.36223+10C>T

Gene: MUC16 (mucin 16, cell surface associated; minus strand). Cytogenetic location: 19p13.2.
Variant type: single nucleotide variant.
Coding change: c.36223+10C>T on transcript NM_001401501.2 (MANE Select); 10 bases into the intron after coding-DNA position 36223, C replaced by T.
Molecular consequence: intron variant.
Genome position (GRCh38, 1-based): chr19:8,932,740, G>A on the plus strand (C>T on the coding strand, the complement: MUC16 is on the minus strand). VCF-style: chr19-8932740-G-A. GRCh37 (hg19) VCF-style: chr19-9043416-G-A.
Other names: c.36649+10C>T (NM_001414686.1); c.36103+10C>T (NM_001414687.1, NM_024690.2).
Identifiers: ClinVar variation 3057221 (VCV003057221.2), dbSNP rs17417801, ClinGen allele CA9165906.

ClinVar aggregate classification (germline): Benign (0 of 4 stars; one submission).

Conditions:
MUC16-related disorder. Also called: MUC16-related condition.

Allele frequency attached by ClinVar (database versions not stated): ESP Exome Variant Server 0.01446; TOPMed 0.01808; gnomAD 0.01990; gnomAD exomes 0.02328; 1000 Genomes Project 30x 0.02405; 1000 Genomes Project 0.02416; ExAC 0.04731.

Submission:

PreventionGenetics, part of Exact Sciences
Classification: Benign for MUC16-related condition. Last evaluated: 2019-02-19. Review status: no assertion criteria provided. Collection method: clinical testing. Allele origin: germline.
Comment: This variant is classified as benign based on ACMG/AMP sequence variant interpretation guidelines (Richards et al. 2015 PMID: 25741868, with internal and published modifications).